The following is an entry in ClinVar:

NM_130837.3(OPA1):c.164dup (p.Leu55fs)

Gene: OPA1 (OPA1 mitochondrial dynamin like GTPase; plus strand). Cytogenetic location: 3q29.
Variant type: Duplication.
Coding change: c.164dup on transcript NM_130837.3 (MANE Select); coding-DNA position 164, one base duplicated (T; older notation c.164dupT).
Protein change: p.Leu55fs; shifts the reading frame from leucine 55.
Molecular consequence: frameshift variant. On other transcripts: 5 prime UTR variant (2).
Genome position (GRCh38, 1-based): chr3:193,614,854, T duplicated; the last of 2 consecutive T bases (chr3:193,614,853-193,614,854); duplicating either gives the same sequence. VCF-style (leftmost placement, unchanged base first): chr3-193614852-A-AT. GRCh37 (hg19) VCF-style: chr3-193332641-A-AT.
Other names: c.164dupT (NM_015560.3); c.-209dup (NM_001354663.2, NM_001354664.2); c.164dup, p.Leu55fs (NM_015560.3, NM_130831.3, NM_130832.3 and 4 more transcripts); short protein forms L55fs.
Identifiers: ClinVar variation 997031 (VCV000997031.3), dbSNP rs1728771454, ClinGen allele CA1430255392.

ClinVar aggregate classification (germline): Likely pathogenic (0 of 4 stars; one submission).

Conditions:
Autosomal dominant optic atrophy classic form (OPA1). Also called: Optic Atrophy Type 1; KJER-TYPE OPTIC ATROPHY; OPTIC ATROPHY, JUVENILE. Identifiers: Orphanet 98673, MedGen C0338508, MONDO:0008134, OMIM 165500.

Submission:

HUSP Clinical Genetics Laboratory, Hospital Universitario San Pedro De Logroño (HUSP)
Classification: Likely pathogenic for Autosomal dominant optic atrophy classic form. Last evaluated: 2021-01-19. Review status: no assertion criteria provided. Collection method: clinical testing. Allele origin: unknown. Inheritance: Autosomal dominant inheritance. Affected: yes. Observed: 1 variant allele, 1 heterozygote.
Comment: The p.Leu55PhefsTer18 variant is not previously described. This variant generates a stop codon at exon 2 and is likely to alter the biological function of the protein.